The following is an entry in ClinVar:

NM_207361.6(FREM2):c.*5019A>T

Gene: FREM2 (FRAS1 related extracellular matrix 2; plus strand). Cytogenetic location: 13q13.3.
Variant type: single nucleotide variant.
Coding change: c.*5019A>T on transcript NM_207361.6 (MANE Select); 5019 bases downstream of the stop codon, A replaced by T.
Molecular consequence: 3 prime UTR variant.
Genome position (GRCh38, 1-based): chr13:38,885,806, A>T. VCF-style: chr13-38885806-A-T. GRCh37 (hg19) VCF-style: chr13-39459943-A-T.
Identifiers: ClinVar variation 312095 (VCV000312095.5), dbSNP rs76274648, ClinGen allele CA10634337.

ClinVar aggregate classification (germline): Benign (1 of 4 stars; one submission).

Conditions:
Fraser syndrome 2 (FRASRS2). Identifiers: MedGen C4540036, MONDO:0054738, OMIM 617666.

Allele frequency attached by ClinVar (database versions not stated): gnomAD 0.00898 and 0.00943; TOPMed 0.01003; 1000 Genomes Project 30x 0.01296; 1000 Genomes Project 0.01338.

Submission:

Illumina Laboratory Services, Illumina
Classification: Benign for Fraser syndrome 2. Last evaluated: 2018-01-12. Review status: criteria provided, single submitter. Criteria: ICSL Variant Classification Criteria 13 December 2019. Collection method: clinical testing. Allele origin: germline.
Comment: This variant was observed in the ICSL laboratory as part of a predisposition screen in an ostensibly healthy population. It had not been previously curated by ICSL or reported in the Human Gene Mutation Database (HGMD: prior to June 1st, 2018), and was therefore a candidate for classification through an automated scoring system. Utilizing variant allele frequency, disease prevalence and penetrance estimates, and inheritance mode, an automated score was calculated to assess if this variant is too frequent to cause the disease. Based on the score and internal cut-off values, a variant classified as benign is not then subjected to further curation. The score for this variant resulted in a classification of benign for this disease.